The following is an entry in ClinVar:

ClinVar aggregate classification (germline): Uncertain significance. Review status: criteria provided, multiple submitters, no conflicts (2 of 4 stars). 2 submissions from 2 submitters: Uncertain significance (2). Last evaluated 2025-07-25.

Conditions:
Inborn genetic diseases. Identifiers: MedGen C0950123, MeSH D030342.

Submissions (2):

Women's Health and Genetics/Laboratory Corporation of America, LabCorp
Classification: Uncertain significance. Last evaluated: 2025-07-25. Review status: criteria provided, single submitter. Criteria: LabCorp Variant Classification Summary - May 2015. Collection method: clinical testing. Allele origin: germline.
Comment: Variant summary: ADGRG1 c.1919T>G (p.Leu640Arg) results in a non-conservative amino acid change in the encoded protein sequence. Algorithms developed to predict the effect of missense changes on protein structure and function are either unavailable or do not agree on the potential impact of this missense change. The variant was absent in 251310 control chromosomes. c.1919T>G has been observed in individual(s) affected with Polymicrogyria, Bilateral Frontoparietal (Piao_2011, Khan_2023). These data indicate that the variant may be associated with disease. At least one publication reports experimental evidence evaluating an impact on protein function (Luo_2011, Chiang_2011), however, does not allow convincing conclusions about the variant effect. The following publications have been ascertained in the context of this evaluation (PMID: 21349848, 37178061, 21723461, 16240336). ClinVar contains an entry for this variant (Variation ID: 2265249). Based on the evidence outlined above, the variant was classified as VUS-possibly pathogenic.

Ambry Genetics
Classification: Uncertain significance for Inborn genetic diseases. Last evaluated: 2022-01-21. Review status: criteria provided, single submitter. Criteria: Ambry Variant Classification Scheme 2023. Collection method: clinical testing. Allele origin: germline.

Literature cited by the submitters: PubMed 16240336 (cited by Women's Health and Genetics/Laboratory Corporation of America, LabCorp and Ambry Genetics); PubMed 21349848 (cited by Women's Health and Genetics/Laboratory Corporation of America, LabCorp and Ambry Genetics); PubMed 37178061 (cited by Women's Health and Genetics/Laboratory Corporation of America, LabCorp); PubMed 21723461 (cited by Women's Health and Genetics/Laboratory Corporation of America, LabCorp and Ambry Genetics); PubMed 17576745 (cited by Ambry Genetics); PubMed 18042463 (cited by Ambry Genetics); PubMed 24949629 (cited by Ambry Genetics); PubMed 27818281 (cited by Ambry Genetics); PubMed 28424266 (cited by Ambry Genetics).

NM_201525.4(ADGRG1):c.1901T>G (p.Leu634Arg)

Gene: ADGRG1 (adhesion G protein-coupled receptor G1; plus strand). Cytogenetic location: 16q21.
Variant type: single nucleotide variant.
Coding change: c.1901T>G on transcript NM_201525.4 (MANE Select); coding-DNA position 1901, T replaced by G.
Protein change: p.Leu634Arg; replaces leucine 634 with arginine.
Molecular consequence: missense variant.
Genome position (GRCh38, 1-based): chr16:57,661,933, T>G. VCF-style: chr16-57661933-T-G. GRCh37 (hg19) VCF-style: chr16-57695845-T-G.
Other names: c.1901T>G, p.Leu634Arg (NM_001145770.3, NM_001145772.3, NM_001145774.3 and 7 more transcripts); c.1919T>G, p.Leu640Arg (NM_001145771.3, NM_001370428.1, NM_001370429.1 and 4 more transcripts); c.1916T>G, p.Leu639Arg (NM_001145773.3, NM_001370433.1, NM_001370434.1); c.1409T>G, p.Leu470Arg (NM_001290142.2); c.1394T>G, p.Leu465Arg (NM_001290143.2); c.1898T>G, p.Leu633Arg (NM_001370441.1); c.1745T>G, p.Leu582Arg (NM_001370442.1); c.1376T>G, p.Leu459Arg (NM_001370451.1, NM_001370453.1, NM_001370454.1 and 1 more transcripts); short protein forms L465R, L582R, L633R, L470R, L634R, L640R, L459R, L639R.
Identifiers: ClinVar variation 2265249 (VCV002265249.3), dbSNP rs2545540113, ClinGen allele CA396054226.